The following is an entry in ClinVar:

ClinVar aggregate classification (germline): Uncertain significance (1 of 4 stars; one submission).

Conditions:
LAMA2-related muscular dystrophy (LAMA2-RD). Also called: Laminin alpha 2-related dystrophy. Identifiers: MedGen C5679788, MONDO:0100228.

gnomAD v4.1: 2 of 1,613,224 alleles (0.00012%); highest among the groups gnomAD compares: African/African-American, 0.0027%; no homozygotes.

Submission:

Labcorp Genetics (formerly Invitae), Labcorp
Classification: Uncertain significance for LAMA2-related muscular dystrophy. Last evaluated: 2025-01-13. Review status: criteria provided, single submitter. Criteria: Invitae Variant Classification Sherloc (09022015). Collection method: clinical testing. Allele origin: germline.
Comment: This sequence change falls in intron 33 of the LAMA2 gene. It does not directly change the encoded amino acid sequence of the LAMA2 protein. It affects a nucleotide within the consensus splice site. This variant is present in population databases (rs765666883, gnomAD 0.007%). This variant has been observed in individual(s) with clinical features of LAMA2-related conditions (internal data). In at least one individual the data is consistent with being in trans (on the opposite chromosome) from a pathogenic variant. Variants that disrupt the consensus splice site are a relatively common cause of aberrant splicing (PMID: 17576681, 9536098). Algorithms developed to predict the effect of sequence changes on RNA splicing suggest that this variant may disrupt the consensus splice site. In summary, the available evidence is currently insufficient to determine the role of this variant in disease. Therefore, it has been classified as a Variant of Uncertain Significance.

Literature cited by the submitters: PubMed 17576681; PubMed 9536098.

NM_000426.4(LAMA2):c.4860+5G>T

Gene: LAMA2 (laminin subunit alpha 2; plus strand). Cytogenetic location: 6q22.33.
Variant type: single nucleotide variant.
Coding change: c.4860+5G>T on transcript NM_000426.4 (MANE Select); 5 bases into the intron after coding-DNA position 4860, G replaced by T.
Molecular consequence: intron variant.
Genome position (GRCh38, 1-based): chr6:129,366,366, G>T. VCF-style: chr6-129366366-G-T. GRCh37 (hg19) VCF-style: chr6-129687511-G-T.
Other names: c.4860+5G>T (NM_001079823.2).
Identifiers: ClinVar variation 3702786 (VCV003702786.2).